The following is an entry in ClinVar:

NM_003107.3(SOX4):c.710T>C (p.Phe237Ser)

Gene: SOX4 (SRY-box transcription factor 4; plus strand). Cytogenetic location: 6p22.3.
Variant type: single nucleotide variant.
Coding change: c.710T>C on transcript NM_003107.3 (MANE Select); coding-DNA position 710, T replaced by C.
Protein change: p.Phe237Ser; replaces phenylalanine 237 with serine.
Molecular consequence: missense variant.
Genome position (GRCh38, 1-based): chr6:21,595,244, T>C. VCF-style: chr6-21595244-T-C. GRCh37 (hg19) VCF-style: chr6-21595475-T-C.
Other names: c.710T>C (NM_003107.2); short protein forms F237S.
Identifiers: ClinVar variation 2656274 (VCV002656274.24), dbSNP rs1763112571, ClinGen allele CA363271172.

ClinVar aggregate classification (germline): Conflicting classifications of pathogenicity. Review status: criteria provided, conflicting classifications (1 of 4 stars). 2 submissions from 2 submitters: Uncertain significance (1); Likely benign (1). Last evaluated 2025-05-05.

Conditions:
Inborn genetic diseases. Identifiers: MedGen C0950123, MeSH D030342.

Allele frequency attached by ClinVar (database versions not stated): TOPMed below 0.00001; gnomAD 0.00001.
gnomAD v4.1: 9 of 1,246,408 alleles (0.00072%); highest among the groups gnomAD compares: South Asian, 0.0036%; 1 homozygote.

Submissions (2):

Ambry Genetics
Classification: Uncertain significance for Inborn genetic diseases. Last evaluated: 2025-05-05. Review status: criteria provided, single submitter. Criteria: Ambry Variant Classification Scheme 2023. Collection method: clinical testing. Allele origin: germline.

CeGaT Center for Human Genetics Tuebingen
Classification: Likely benign. Last evaluated: 2022-04-01. Review status: criteria provided, single submitter. Criteria: CeGaT Center For Human Genetics Tuebingen Variant Classification Criteria Version 2. Collection method: clinical testing. Allele origin: germline. Affected: yes. Observed: 1 variant allele.
Comment: SOX4: PP3, BS2